The following is an entry in ClinVar:

NM_014679.5(CEP57):c.98C>T (p.Ser33Leu)

Gene: CEP57 (centrosomal protein 57; plus strand). Cytogenetic location: 11q21.
Variant type: single nucleotide variant.
Coding change: c.98C>T on transcript NM_014679.5 (MANE Select); coding-DNA position 98, C replaced by T.
Protein change: p.Ser33Leu; replaces serine 33 with leucine.
Molecular consequence: missense variant.
Genome position (GRCh38, 1-based): chr11:95,799,284, C>T. VCF-style: chr11-95799284-C-T. GRCh37 (hg19) VCF-style: chr11-95532448-C-T.
Other names: c.98C>T (NM_014679.4); c.71C>T, p.Ser24Leu (NM_001243776.2); c.98C>T, p.Ser33Leu (NM_001243777.2); c.17C>T, p.Ser6Leu (NM_001363604.2); short protein forms S33L, S24L, S6L.
Identifiers: ClinVar variation 1445491 (VCV001445491.9), dbSNP rs562909477, ClinGen allele CA226616725.

ClinVar aggregate classification (germline): Uncertain significance. Review status: criteria provided, multiple submitters, no conflicts (2 of 4 stars). 2 submissions from 2 submitters: Uncertain significance (2). Last evaluated 2024-11-22.

Conditions:
Inborn genetic diseases. Identifiers: MedGen C0950123, MeSH D030342.
Mosaic variegated aneuploidy syndrome 2 (MVA2). Identifiers: Orphanet 1052, MedGen C3279843, MONDO:0013582, OMIM 614114.

Allele frequency attached by ClinVar (database versions not stated): gnomAD 0.00001; gnomAD exomes 0.00001.
gnomAD v4.1: 13 of 1,614,020 alleles (0.00081%); highest among the groups gnomAD compares: Non-Finnish European, 0.0011%; no homozygotes.

Submissions (2):

Ambry Genetics
Classification: Uncertain significance for Inborn genetic diseases. Last evaluated: 2024-11-22. Review status: criteria provided, single submitter. Criteria: Ambry Variant Classification Scheme 2023. Collection method: clinical testing. Allele origin: germline.
Comment: The p.S33L variant (also known as c.98C>T), located in coding exon 2 of the CEP57 gene, results from a C to T substitution at nucleotide position 98. The serine at codon 33 is replaced by leucine, an amino acid with dissimilar properties. This amino acid position is conserved. In addition, this alteration is predicted to be tolerated by in silico analysis. Based on the available evidence, the clinical significance of this variant remains unclear.

Labcorp Genetics (formerly Invitae), Labcorp
Classification: Uncertain significance for Mosaic variegated aneuploidy syndrome 2. Last evaluated: 2024-10-04. Review status: criteria provided, single submitter. Criteria: Invitae Variant Classification Sherloc (09022015). Collection method: clinical testing. Allele origin: germline.
Comment: This sequence change replaces serine, which is neutral and polar, with leucine, which is neutral and non-polar, at codon 33 of the CEP57 protein (p.Ser33Leu). This variant is present in population databases (rs562909477, gnomAD 0.0008%). This variant has not been reported in the literature in individuals affected with CEP57-related conditions. ClinVar contains an entry for this variant (Variation ID: 1445491). Invitae Evidence Modeling of protein sequence and biophysical properties (such as structural, functional, and spatial information, amino acid conservation, physicochemical variation, residue mobility, and thermodynamic stability) indicates that this missense variant is not expected to disrupt CEP57 protein function with a negative predictive value of 80%. In summary, the available evidence is currently insufficient to determine the role of this variant in disease. Therefore, it has been classified as a Variant of Uncertain Significance.